The following is an entry in ClinVar:

NM_017617.5(NOTCH1):c.7630C>T (p.Gln2544Ter)

Gene: NOTCH1 (notch receptor 1; minus strand). Cytogenetic location: 9q34.3.
Variant type: single nucleotide variant.
Coding change: c.7630C>T on transcript NM_017617.5 (MANE Select); coding-DNA position 7630, C replaced by T.
Protein change: p.Gln2544Ter; replaces glutamine 2544 with a stop codon.
Molecular consequence: nonsense.
Genome position (GRCh38, 1-based): chr9:136,496,109, G>A on the plus strand (C>T on the coding strand, the complement: NOTCH1 is on the minus strand). VCF-style: chr9-136496109-G-A. GRCh37 (hg19) VCF-style: chr9-139390561-G-A.
Other names: short protein forms Q2544*.
Identifiers: ClinVar variation 4527230 (VCV004527230.1).

ClinVar aggregate classification (germline): Uncertain significance (1 of 4 stars; one submission).

Submission:

GeneDx
Classification: Uncertain significance. Last evaluated: 2025-04-22. Review status: criteria provided, single submitter. Criteria: GeneDx Variant Classification Process June 2021. Collection method: clinical testing. Allele origin: germline. Affected: yes.
Comment: Nonsense variant predicted to result in protein truncation as the last 12 amino acid(s) are lost; Not observed at significant frequency in large population cohorts (gnomAD); Has not been previously published as pathogenic or benign to our knowledge